The following is an entry in ClinVar:

NM_000260.4(MYO7A):c.5793C>T (p.Ile1931=)

Gene: MYO7A (myosin VIIA; plus strand). Cytogenetic location: 11q13.5.
Variant type: single nucleotide variant.
Coding change: c.5793C>T on transcript NM_000260.4 (MANE Select); coding-DNA position 5793, C replaced by T.
Protein change: p.Ile1931=; no amino-acid change (isoleucine 1931 retained).
Molecular consequence: synonymous variant.
Genome position (GRCh38, 1-based): chr11:77,207,339, C>T. VCF-style: chr11-77207339-C-T. GRCh37 (hg19) VCF-style: chr11-76918384-C-T.
Other names: c.5679C>T, p.Ile1893= (NM_001127180.2); c.5646C>T, p.Ile1882= (NM_001369365.1); c.5793C>T (NM_000260.3).
Identifiers: ClinVar variation 1143442 (VCV001143442.11), dbSNP rs550891509, ClinGen allele CA6198836.

ClinVar aggregate classification (germline): Likely benign. Review status: criteria provided, single submitter (1 of 4 stars). 2 submissions from 2 submitters: Likely benign (1). 1 of the submissions does not count toward it. Last evaluated 2025-06-12.

Conditions:
MYO7A-related disorder. Also called: MYO7A-related disorders.

Allele frequency attached by ClinVar (database versions not stated): ExAC 0.00005; gnomAD exomes 0.00001 and 0.00004; 1000 Genomes Project 30x 0.00016; 1000 Genomes Project 0.00020; gnomAD 0.00001 and 0.00002; TOPMed 0.00001.
gnomAD v4.1: 21 of 1,612,748 alleles (0.0013%); highest among the groups gnomAD compares: South Asian, 0.014%; no homozygotes.

Submissions (2):

Labcorp Genetics (formerly Invitae), Labcorp
Classification: Likely benign. Last evaluated: 2025-06-12. Review status: criteria provided, single submitter. Criteria: Invitae Variant Classification Sherloc (09022015). Collection method: clinical testing. Allele origin: germline.

PreventionGenetics, part of Exact Sciences
Classification: Likely benign for MYO7A-related condition. Last evaluated: 2019-05-31. Review status: no assertion criteria provided. Collection method: clinical testing. Allele origin: germline. Not counted in ClinVar's aggregate classification.
Comment: This variant is classified as likely benign based on ACMG/AMP sequence variant interpretation guidelines (Richards et al. 2015 PMID: 25741868, with internal and published modifications).